The following is an entry in ClinVar:

ClinVar aggregate classification (germline): Uncertain significance (1 of 4 stars; one submission).

Conditions:
Nephronophthisis 14 (NPHP14). Identifiers: Orphanet 2318, MedGen C3539071, MONDO:0013916, OMIM 614844.

Submission:

Labcorp Genetics (formerly Invitae), Labcorp
Classification: Uncertain significance for Nephronophthisis 14. Last evaluated: 2023-12-18. Review status: criteria provided, single submitter. Criteria: Invitae Variant Classification Sherloc (09022015). Collection method: clinical testing. Allele origin: germline.
Comment: This sequence change replaces serine, which is neutral and polar, with cysteine, which is neutral and slightly polar, at codon 791 of the ZNF423 protein (p.Ser791Cys). This variant is not present in population databases (gnomAD no frequency). This variant has not been reported in the literature in individuals affected with ZNF423-related conditions. ClinVar contains an entry for this variant (Variation ID: 1469450). Advanced modeling of protein sequence and biophysical properties (such as structural, functional, and spatial information, amino acid conservation, physicochemical variation, residue mobility, and thermodynamic stability) performed at Invitae indicates that this missense variant is not expected to disrupt ZNF423 protein function with a negative predictive value of 80%. In summary, the available evidence is currently insufficient to determine the role of this variant in disease. Therefore, it has been classified as a Variant of Uncertain Significance.

NM_001379286.1(ZNF423):c.2395A>T (p.Ser799Cys)

Gene: ZNF423 (zinc finger protein 423; minus strand). Cytogenetic location: 16q12.1.
Variant type: single nucleotide variant.
Coding change: c.2395A>T on transcript NM_001379286.1 (MANE Select); coding-DNA position 2395, A replaced by T.
Protein change: p.Ser799Cys; replaces serine 799 with cysteine.
Molecular consequence: missense variant.
Genome position (GRCh38, 1-based): chr16:49,636,781, T>A on the plus strand (A>T on the coding strand, the complement: ZNF423 is on the minus strand). VCF-style: chr16-49636781-T-A. GRCh37 (hg19) VCF-style: chr16-49670692-T-A.
Other names: c.2191A>T, p.Ser731Cys (NM_001271620.2); c.2020A>T, p.Ser674Cys (NM_001330533.2); c.2371A>T, p.Ser791Cys (NM_015069.5); short protein forms S799C, S674C, S731C, S791C.
Identifiers: ClinVar variation 1469450 (VCV001469450.6), dbSNP rs2151883288, ClinGen allele CA395843112.